The following is an entry in ClinVar:

NM_005982.4(SIX1):c.487C>G (p.Leu163Val)

Genes: MIR9718 (microRNA 9718; plus strand), SIX1 (SIX homeobox 1; minus strand). Cytogenetic location: 14q23.1.
Variant type: single nucleotide variant.
Coding change: c.487C>G on transcript NM_005982.4 (MANE Select); coding-DNA position 487, C replaced by G.
Protein change: p.Leu163Val; replaces leucine 163 with valine.
Molecular consequence: missense variant. On other transcripts: non-coding transcript variant (1).
Genome position (GRCh38, 1-based): chr14:60,648,703, G>C on the plus strand (C>G on the coding strand, the complement: SIX1 is on the minus strand). VCF-style: chr14-60648703-G-C. GRCh37 (hg19) VCF-style: chr14-61115421-G-C.
Other names: short protein forms L163V.
Identifiers: ClinVar variation 229251 (VCV000229251.5), dbSNP rs876658002, ClinGen allele CA10576966.

ClinVar aggregate classification (germline): Uncertain significance (1 of 4 stars; one submission).

Allele frequency attached by ClinVar (database versions not stated): gnomAD exomes 0.00001.
gnomAD v4.1: 3 of 1,613,990 alleles (0.00019%); highest among the groups gnomAD compares: Non-Finnish European, 0.00025%; no homozygotes.

Submission:

Laboratory for Molecular Medicine, Mass General Brigham Personalized Medicine
Classification: Uncertain significance. Last evaluated: 2017-07-05. Review status: criteria provided, single submitter. Criteria: LMM Criteria. Collection method: clinical testing. Allele origin: germline. Observed: 2 variant alleles.
Comment: Computational prediction tools and conservation analyses suggest that this va riant may impact the protein, though this information is not predictive enough t o determine pathogenicity. In summary, the clinical significance of the p.Leu163 Val variant is uncertain.

Literature cited by the submitters: PubMed 17637804; PubMed 15141091.